The following is an entry in ClinVar:

ClinVar aggregate classification (germline): Benign. Review status: criteria provided, multiple submitters, no conflicts (2 of 4 stars). 9 submissions from 9 submitters: Benign (9). Last evaluated 2026-02-03.

Conditions:
Inborn genetic diseases. Identifiers: MedGen C0950123, MeSH D030342.
Cornelia de Lange syndrome 1 (CDLS1). Also called: NIPBL-Related Cornelia de Lange Syndrome; Brachmann de Lange syndrome; TYPUS DEGENERATIVUS AMSTELODAMENSIS. Identifiers: Orphanet 199, MedGen C4551851, MONDO:0007387, OMIM 122470.

Allele frequency attached by ClinVar (database versions not stated): gnomAD 0.03288 and 0.03533; 1000 Genomes Project 0.03654; TOPMed 0.03809; ESP Exome Variant Server 0.03898; 1000 Genomes Project 30x 0.03904.
gnomAD v4.1: 9,711 of 1,613,946 alleles (0.6%); highest among the groups gnomAD compares: African/African-American, 12%; 516 homozygotes.

Submissions (16):

Labcorp Genetics (formerly Invitae), Labcorp
Classification: Benign for Cornelia de Lange syndrome 1. Last evaluated: 2026-02-03. Review status: criteria provided, single submitter. Criteria: Invitae Variant Classification Sherloc (09022015). Collection method: clinical testing. Allele origin: germline.

Genome-Nilou Lab
Classification: Benign for Cornelia de Lange syndrome 1. Last evaluated: 2021-07-15. Review status: criteria provided, single submitter. Criteria: ACMG Guidelines, 2015. Collection method: clinical testing. Allele origin: germline. Affected: no.

Illumina Laboratory Services, Illumina
Classification: Benign for Cornelia de Lange syndrome 1. Last evaluated: 2018-01-13. Review status: criteria provided, single submitter. Criteria: ICSL Variant Classification Criteria 13 December 2019. Collection method: clinical testing. Allele origin: germline.
Comment: This variant was observed in the ICSL laboratory as part of a predisposition screen in an ostensibly healthy population. It had not been previously curated by ICSL or reported in the Human Gene Mutation Database (HGMD: prior to June 1st, 2018), and was therefore a candidate for classification through an automated scoring system. Utilizing variant allele frequency, disease prevalence and penetrance estimates, and inheritance mode, an automated score was calculated to assess if this variant is too frequent to cause the disease. Based on the score and internal cut-off values, a variant classified as benign is not then subjected to further curation. The score for this variant resulted in a classification of benign for this disease.

Ambry Genetics
Classification: Benign for Inborn genetic diseases. Last evaluated: 2016-03-16. Review status: criteria provided, single submitter. Criteria: Ambry Variant Classification Scheme 2023. Collection method: clinical testing. Allele origin: germline.

Eurofins Ntd Llc (ga)
Classification: Benign. Last evaluated: 2014-06-04. Review status: criteria provided, single submitter. Criteria: EGL Classification Definitions 2015. Collection method: clinical testing. Allele origin: germline. Observed: 3 variant alleles, 3 heterozygotes.

GeneDx
Classification: Benign. Last evaluated: 2014-04-28. Review status: criteria provided, single submitter. Criteria: GeneDx Variant Classification (06012015). Collection method: clinical testing. Allele origin: germline. Affected: yes.
Comment: This variant is considered likely benign or benign based on one or more of the following criteria: it is a conservative change, it occurs at a poorly conserved position in the protein, it is predicted to be benign by multiple in silico algorithms, and/or has population frequency not consistent with disease.

Genetic Services Laboratory, University of Chicago
Classification: Benign. Last evaluated: 2013-08-15. Review status: criteria provided, single submitter. Criteria: ACMG Guidelines, 2007. Collection method: clinical testing. Allele origin: germline. Inheritance: Autosomal dominant inheritance.

Breakthrough Genomics
Classification: Benign. Review status: criteria provided, single submitter. Criteria: ACMG Guidelines, 2015. Collection method: not provided. Allele origin: germline. Inheritance: Autosomal dominant inheritance. Affected: yes.

PreventionGenetics, part of Exact Sciences
Classification: Benign. Review status: criteria provided, single submitter. Criteria: ACMG Guidelines, 2015. Collection method: clinical testing. Allele origin: germline.

Dr. Peter K. Rogan Lab, Western University
No classification provided (evidence only). Condition: Clear cell carcinoma of kidney. Review status: no classification provided. Collection method: in vitro. Allele origin: not applicable. Functional consequence: skipped exon. Not counted in ClinVar's aggregate classification.

Dr. Peter K. Rogan Lab, Western University
No classification provided (evidence only). Condition: Clear cell carcinoma of kidney. Review status: no classification provided. Collection method: in vitro. Allele origin: not applicable. Functional consequence: skipped exon. Not counted in ClinVar's aggregate classification.

Dr. Peter K. Rogan Lab, Western University
No classification provided (evidence only). Condition: Lung cancer. Review status: no classification provided. Collection method: in vitro. Allele origin: not applicable. Functional consequence: skipped exon, retained intron. Not counted in ClinVar's aggregate classification.

Dr. Peter K. Rogan Lab, Western University
No classification provided (evidence only). Condition: Thyroid cancer, nonmedullary, 1. Review status: no classification provided. Collection method: in vitro. Allele origin: not applicable. Functional consequence: retained intron. Not counted in ClinVar's aggregate classification.

Dr. Peter K. Rogan Lab, Western University
No classification provided (evidence only). Condition: Sarcoma. Review status: no classification provided. Collection method: in vitro. Allele origin: not applicable. Functional consequence: retained intron. Not counted in ClinVar's aggregate classification.

Dr. Peter K. Rogan Lab, Western University
No classification provided (evidence only). Condition: Hepatocellular carcinoma. Review status: no classification provided. Collection method: in vitro. Allele origin: not applicable. Functional consequence: skipped exon. Not counted in ClinVar's aggregate classification.

Dr. Peter K. Rogan Lab, Western University
No classification provided (evidence only). Condition: Nonpapillary renal cell carcinoma. Review status: no classification provided. Collection method: in vitro. Allele origin: not applicable. Functional consequence: retained intron. Not counted in ClinVar's aggregate classification.

NM_133433.4(NIPBL):c.2469A>G (p.Lys823=)

Gene: NIPBL (NIPBL cohesin loading factor; plus strand). Cytogenetic location: 5p13.2.
Variant type: single nucleotide variant.
Coding change: c.2469A>G on transcript NM_133433.4 (MANE Select); coding-DNA position 2469, A replaced by G.
Protein change: p.Lys823=; no amino-acid change (lysine 823 retained).
Molecular consequence: synonymous variant.
Genome position (GRCh38, 1-based): chr5:36,985,649, A>G. VCF-style: chr5-36985649-A-G. GRCh37 (hg19) VCF-style: chr5-36985751-A-G.
Other names: p.K823K:AAA>AAG; c.2469A>G, p.Lys823= (NM_015384.5).
Identifiers: ClinVar variation 96335 (VCV000096335.30), dbSNP rs293756, ClinGen allele CA149441.